The following is an entry in ClinVar:

ClinVar aggregate classification (germline): Uncertain significance (1 of 4 stars; one submission).

gnomAD v4.1: 3 of 1,610,174 alleles (0.00019%); highest among the groups gnomAD compares: South Asian, 0.0033%; no homozygotes.

Submission:

Labcorp Genetics (formerly Invitae), Labcorp
Classification: Uncertain significance. Last evaluated: 2022-01-17. Review status: criteria provided, single submitter. Criteria: Invitae Variant Classification Sherloc (09022015). Collection method: clinical testing. Allele origin: germline.
Comment: This variant is not present in population databases (gnomAD no frequency). This variant has not been reported in the literature in individuals affected with PACS2-related conditions. In summary, the available evidence is currently insufficient to determine the role of this variant in disease. Therefore, it has been classified as a Variant of Uncertain Significance. Algorithms developed to predict the effect of missense changes on protein structure and function (SIFT, PolyPhen-2, Align-GVGD) all suggest that this variant is likely to be disruptive. This sequence change replaces aspartic acid, which is acidic and polar, with tyrosine, which is neutral and polar, at codon 479 of the PACS2 protein (p.Asp479Tyr).

NM_001100913.3(PACS2):c.1435G>T (p.Asp479Tyr)

Gene: PACS2 (phosphofurin acidic cluster sorting protein 2; plus strand). Cytogenetic location: 14q32.33.
Variant type: single nucleotide variant.
Coding change: c.1435G>T on transcript NM_001100913.3 (MANE Select); coding-DNA position 1435, G replaced by T.
Protein change: p.Asp479Tyr; replaces aspartic acid 479 with tyrosine.
Molecular consequence: missense variant.
Genome position (GRCh38, 1-based): chr14:105,382,498, G>T. VCF-style: chr14-105382498-G-T. GRCh37 (hg19) VCF-style: chr14-105848835-G-T.
Other names: c.1198G>T, p.Asp400Tyr (NM_001243127.3); c.1423G>T, p.Asp475Tyr (NM_015197.4); short protein forms D475Y, D400Y, D479Y.
Identifiers: ClinVar variation 1922948 (VCV001922948.5), dbSNP rs2544810111, ClinGen allele CA391182004.
Genomic context (GRCh38, chr14:105,382,498, plus strand): 5'-GCTTCTCTTCTGGGTGTGGACAGGGCTCTGTGCCTCCAGATCCCCAGGAAGACTGTGTAT[G>T]ACCAGCTCAACCACATCCTCATCTCCGATGACCAGCTTCCCGAAAACATCATCCTTGTCA-3'
Protein context (NP_001094383.2, residues 469-489): QLQIPRKTVY[Asp479Tyr]QLNHILISDD